The following is an entry in ClinVar:

NM_024652.6(LRRK1):c.824A>C (p.Asp275Ala)

Gene: LRRK1 (leucine rich repeat kinase 1; plus strand). Cytogenetic location: 15q26.3.
Variant type: single nucleotide variant.
Coding change: c.824A>C on transcript NM_024652.6 (MANE Select); coding-DNA position 824, A replaced by C.
Protein change: p.Asp275Ala; replaces aspartic acid 275 with alanine.
Molecular consequence: missense variant.
Genome position (GRCh38, 1-based): chr15:101,008,898, A>C. VCF-style: chr15-101008898-A-C. GRCh37 (hg19) VCF-style: chr15-101549103-A-C.
Other names: short protein forms D275A.
Identifiers: ClinVar variation 2290273 (VCV002290273.5), dbSNP rs756776320, ClinGen allele CA7760715.

ClinVar aggregate classification (germline): Uncertain significance. Review status: criteria provided, multiple submitters, no conflicts (2 of 4 stars). 2 submissions from 2 submitters: Uncertain significance (2). Last evaluated 2025-07-08.

Conditions:
Inborn genetic diseases. Identifiers: MedGen C0950123, MeSH D030342.

Allele frequency attached by ClinVar (database versions not stated): TOPMed 0.00001; ExAC 0.00003; gnomAD exomes 0.00003.
gnomAD v4.1: 42 of 1,614,134 alleles (0.0026%); highest among the groups gnomAD compares: Non-Finnish European, 0.0036%; no homozygotes.

Submissions (2):

Ambry Genetics
Classification: Uncertain significance for Inborn genetic diseases. Last evaluated: 2025-07-08. Review status: criteria provided, single submitter. Criteria: Ambry Variant Classification Scheme 2023. Collection method: clinical testing. Allele origin: germline.

Labcorp Genetics (formerly Invitae), Labcorp
Classification: Uncertain significance. Last evaluated: 2024-09-03. Review status: criteria provided, single submitter. Criteria: Invitae Variant Classification Sherloc (09022015). Collection method: clinical testing. Allele origin: germline.
Comment: This sequence change replaces aspartic acid, which is acidic and polar, with alanine, which is neutral and non-polar, at codon 275 of the LRRK1 protein (p.Asp275Ala). This variant is present in population databases (rs756776320, gnomAD 0.005%). This variant has not been reported in the literature in individuals affected with LRRK1-related conditions. ClinVar contains an entry for this variant (Variation ID: 2290273). An algorithm developed to predict the effect of missense changes on protein structure and function (PolyPhen-2) suggests that this variant is likely to be disruptive. In summary, the available evidence is currently insufficient to determine the role of this variant in disease. Therefore, it has been classified as a Variant of Uncertain Significance.